The following is an entry in ClinVar:

ClinVar aggregate classification (germline): Uncertain significance (1 of 4 stars; one submission).

Submission:

GeneDx
Classification: Uncertain significance. Last evaluated: 2023-03-27. Review status: criteria provided, single submitter. Criteria: GeneDx Variant Classification Process June 2021. Collection method: clinical testing. Allele origin: germline. Affected: yes.
Comment: Not observed at significant frequency in large population cohorts (gnomAD); In silico analysis supports that this missense variant does not alter protein structure/function; Has not been previously published as pathogenic or benign to our knowledge

NM_052876.4(NACC1):c.848A>C (p.Asp283Ala)

Gene: NACC1 (nucleus accumbens associated 1; plus strand). Cytogenetic location: 19p13.13.
Variant type: single nucleotide variant.
Coding change: c.848A>C on transcript NM_052876.4 (MANE Select); coding-DNA position 848, A replaced by C.
Protein change: p.Asp283Ala; replaces aspartic acid 283 with alanine.
Molecular consequence: missense variant.
Genome position (GRCh38, 1-based): chr19:13,136,055, A>C. VCF-style: chr19-13136055-A-C. GRCh37 (hg19) VCF-style: chr19-13246869-A-C.
Other names: short protein forms D283A.
Identifiers: ClinVar variation 2582090 (VCV002582090.1), dbSNP rs2513136321, ClinGen allele CA404326608.